The following is an entry in ClinVar:

NM_002055.5(GFAP):c.962C>T (p.Ala321Val)

Gene: GFAP (glial fibrillary acidic protein; minus strand). Cytogenetic location: 17q21.31.
Variant type: single nucleotide variant.
Coding change: c.962C>T on transcript NM_002055.5 (MANE Select); coding-DNA position 962, C replaced by T.
Protein change: p.Ala321Val; replaces alanine 321 with valine.
Molecular consequence: missense variant.
Genome position (GRCh38, 1-based): chr17:44,911,401, G>A on the plus strand (C>T on the coding strand, the complement: GFAP is on the minus strand). VCF-style: chr17-44911401-G-A. GRCh37 (hg19) VCF-style: chr17-42988769-G-A.
Other names: c.962C>T, p.Ala321Val (NM_001131019.3, NM_001242376.3, NM_001363846.2); short protein forms A321V.
Identifiers: ClinVar variation 4074358 (VCV004074358.1).

ClinVar aggregate classification (germline): Uncertain significance (1 of 4 stars; one submission).

Submission:

GeneDx
Classification: Uncertain significance. Last evaluated: 2025-02-05. Review status: criteria provided, single submitter. Criteria: GeneDx Variant Classification Process June 2021. Collection method: clinical testing. Allele origin: germline. Affected: yes.
Comment: Not observed at significant frequency in large population cohorts (gnomAD); In silico analysis supports that this missense variant has a deleterious effect on protein structure/function; Has not been previously published as pathogenic or benign to our knowledge